The following is an entry in ClinVar:

ClinVar aggregate classification (germline): Likely benign. Review status: criteria provided, multiple submitters, no conflicts (2 of 4 stars). 4 submissions from 4 submitters: Likely benign (3). 1 of the submissions does not count toward it. Last evaluated 2026-01-02.

Conditions:
RIGI-related disorder. Also called: RIGI-related condition.

Allele frequency attached by ClinVar (database versions not stated): ExAC 0.00011; gnomAD 0.00017; gnomAD exomes 0.00017 and 0.00021; TOPMed 0.00017.
gnomAD v4.1: 360 of 1,600,224 alleles (0.022%); highest among the groups gnomAD compares: Non-Finnish European, 0.025%; 1 homozygote.

Submissions (4):

Labcorp Genetics (formerly Invitae), Labcorp
Classification: Likely benign. Last evaluated: 2026-01-02. Review status: criteria provided, single submitter. Criteria: Invitae Variant Classification Sherloc (09022015). Collection method: clinical testing. Allele origin: germline.

Blueprint Genetics
Classification: Likely benign. Last evaluated: 2024-07-24. Review status: criteria provided, single submitter. Criteria: ACMG Guidelines, 2015. Collection method: clinical testing. Allele origin: germline.

CeGaT Center for Human Genetics Tuebingen
Classification: Likely benign. Last evaluated: 2023-12-01. Review status: criteria provided, single submitter. Criteria: CeGaT Center For Human Genetics Tuebingen Variant Classification Criteria Version 2. Collection method: clinical testing. Allele origin: germline. Affected: yes. Observed: 1 variant allele.
Comment: RIGI: BP4

PreventionGenetics, part of Exact Sciences
Classification: Likely benign for RIGI-related condition. Last evaluated: 2021-01-26. Review status: no assertion criteria provided. Collection method: clinical testing. Allele origin: germline. Not counted in ClinVar's aggregate classification.
Comment: This variant is classified as likely benign based on ACMG/AMP sequence variant interpretation guidelines (Richards et al. 2015 PMID: 25741868, with internal and published modifications).

NM_014314.4(RIGI):c.2014+8T>C

Gene: RIGI (RNA sensor RIG-I; minus strand). Cytogenetic location: 9p21.1.
Variant type: single nucleotide variant.
Coding change: c.2014+8T>C on transcript NM_014314.4 (MANE Select); 8 bases into the intron after coding-DNA position 2014, T replaced by C.
Molecular consequence: intron variant.
Genome position (GRCh38, 1-based): chr9:32,472,967, A>G on the plus strand (T>C on the coding strand, the complement: RIGI is on the minus strand). VCF-style: chr9-32472967-A-G. GRCh37 (hg19) VCF-style: chr9-32472965-A-G.
Other names: c.2014+8T>C (NM_014314.3, NM_001385909.1); c.1405+8T>C (NM_001385912.1); c.1999+8T>C (NM_001385913.1); c.2008+8T>C (NM_001385907.1); c.1570+8T>C (NM_001385914.1); c.1573+8T>C (NM_001385910.1).
Identifiers: ClinVar variation 1634773 (VCV001634773.32), dbSNP rs199733958, ClinGen allele CA5019614.